The following is an entry in ClinVar:

NM_007294.4(BRCA1):c.2407_2408del (p.Gln804fs)

Gene: BRCA1 (BRCA1 DNA repair associated; minus strand). Cytogenetic location: 17q21.31.
Variant type: Deletion.
Coding change: c.2407_2408del on transcript NM_007294.4 (MANE Select); coding-DNA positions 2407 to 2408, 2 bases deleted (AG; older notation c.2407_2408delAG).
Protein change: p.Gln804fs; shifts the reading frame from glutamine 804.
Molecular consequence: frameshift variant. On other transcripts: intron variant (137).
Genome position (GRCh38, 1-based): chr17:43,093,123-43,093,124, CT deleted on the plus strand (AG on the coding strand, the reverse complement: BRCA1 is on the minus strand); deleting any 2 consecutive bases within chr17:43,093,123-43,093,125 gives the same sequence; the c. name uses the placement nearest the transcript's 3' end. VCF-style (leftmost placement, unchanged base first): chr17-43093122-ACT-A. GRCh37 (hg19) VCF-style: chr17-41245139-ACT-A.
Other names: c.2407_2408delAG (NM_007294.3); c.2407_2408del, p.Gln804fs (NM_001407602.1, NM_001407603.1, NM_001407605.1 and 30 more transcripts); c.2404_2405del, p.Gln803fs (NM_001407610.1, NM_001407611.1, NM_001407612.1 and 22 more transcripts); c.2398_2399del, p.Gln801fs (NM_001407646.1, NM_001407647.1); c.2284_2285del, p.Gln763fs (NM_001407648.1, NM_001407664.1, NM_001407665.1 and 19 more transcripts); c.2281_2282del, p.Gln762fs (NM_001407649.1, NM_001407670.1, NM_001407671.1 and 11 more transcripts); c.2329_2330del, p.Gln778fs (NM_001407653.1, NM_001407654.1, NM_001407655.1 and 4 more transcripts); c.2266_2267del, p.Gln757fs (NM_001407726.1, NM_001407727.1, NM_001407728.1 and 29 more transcripts); and 43 more; short protein forms Q804fs, Q757fs, Q692fs, Q715fs, Q733fs, Q777fs, Q778fs, Q803fs.
Identifiers: ClinVar variation 186397 (VCV000186397.20), dbSNP rs786202919, ClinGen allele CA001601.

ClinVar aggregate classification (germline): Pathogenic. Review status: reviewed by expert panel (3 of 4 stars). 4 submissions from 4 submitters: Pathogenic (1). 3 of the submissions do not count toward it. Last evaluated 2016-09-08.

Conditions:
Hereditary breast ovarian cancer syndrome. Also called: Hereditary breast and ovarian cancer syndrome; Hereditary breast and ovarian cancer syndrome (HBOC); BRCA1- and BRCA2-Associated Hereditary Breast and Ovarian Cancer; Breast and ovarian cancer; Hereditary breast and ovarian cancer; Hereditary breast and/or ovarian cancer syndrome. Identifiers: Orphanet 145, MedGen C0677776, MeSH D061325, MONDO:0003582. Disease mechanism: loss of function.
Hereditary cancer-predisposing syndrome. Also called: Hereditary Cancer Syndrome; Hereditary neoplastic syndrome; Tumor predisposition; Neoplastic Syndromes, Hereditary. Identifiers: Orphanet 140162, MedGen C0027672, MeSH D009386, MONDO:0015356.
Breast-ovarian cancer, familial, susceptibility to, 1 (BROVCA1). Also called: OVARIAN CANCER, SUSCEPTIBILITY TO; BRCA1 Hereditary Breast and Ovarian Cancer. Identifiers: Orphanet 145, MedGen C2676676, MONDO:0011450, OMIM 604370. Disease mechanism: loss of function.

Submissions (4):

Evidence-based Network for the Interpretation of Germline Mutant Alleles (ENIGMA)
Classification: Pathogenic for Breast-ovarian cancer, familial, susceptibility to, 1. Last evaluated: 2016-09-08. Review status: reviewed by expert panel. Criteria: ENIGMA BRCA1/2 Classification Criteria (2015). Collection method: curation. Allele origin: germline.
Comment: Variant allele predicted to encode a truncated non-functional protein.

Labcorp Genetics (formerly Invitae), Labcorp
Classification: Pathogenic for Hereditary breast ovarian cancer syndrome. Last evaluated: 2023-07-25. Review status: criteria provided, single submitter. Criteria: Invitae Variant Classification Sherloc (09022015). Collection method: clinical testing. Allele origin: germline. Not counted in ClinVar's aggregate classification.
Comment: For these reasons, this variant has been classified as Pathogenic. ClinVar contains an entry for this variant (Variation ID: 186397). This premature translational stop signal has been observed in individual(s) with breast cancer (PMID: 30630526). This variant is not present in population databases (gnomAD no frequency). This sequence change creates a premature translational stop signal (p.Gln804Valfs*5) in the BRCA1 gene. It is expected to result in an absent or disrupted protein product. Loss-of-function variants in BRCA1 are known to be pathogenic (PMID: 20104584).

Color Diagnostics, LLC DBA Color Health
Classification: Pathogenic for Hereditary cancer-predisposing syndrome. Last evaluated: 2020-12-29. Review status: criteria provided, single submitter. Criteria: ACMG Guidelines, 2015. Collection method: clinical testing. Allele origin: germline. Not counted in ClinVar's aggregate classification.
Comment: This variant deletes 2 nucleotides in exon 10 of the BRCA1 gene, creating a frameshift and premature translation stop signal. This variant is expected to result in an absent or non-functional protein product. To our knowledge, functional studies have not been reported for this variant. This variant has been observed in an individual affected with triple-negative breast cancer (PMID: 30630526). This variant has not been identified in the general population by the Genome Aggregation Database (gnomAD). Loss of BRCA1 function is a known mechanism of disease. Based on the available evidence, this variant is classified as Pathogenic.

Ambry Genetics
Classification: Pathogenic for Hereditary cancer-predisposing syndrome. Last evaluated: 2018-11-12. Review status: criteria provided, single submitter. Criteria: Ambry Variant Classification Scheme 2023. Collection method: clinical testing. Allele origin: germline. Not counted in ClinVar's aggregate classification.
Comment: The c.2407_2408delAG pathogenic mutation, located in coding exon 9 of the BRCA1 gene, results from a deletion of two nucleotides at nucleotide positions 2407 to 2408, causing a translational frameshift with a predicted alternate stop codon (p.Q804Vfs*5). This alteration is expected to result in loss of function by premature protein truncation or nonsense-mediated mRNA decay. As such, this alteration is interpreted as a disease-causing mutation.

Literature cited by the submitters: PubMed 30630526 (cited by Labcorp Genetics (formerly Invitae), Labcorp); PubMed 20104584 (cited by Labcorp Genetics (formerly Invitae), Labcorp).